The following is an entry in ClinVar:

ClinVar aggregate classification (germline): Uncertain significance (1 of 4 stars; one submission).

Conditions:
PTPRT-related disorder. Also called: PTPRT-related condition.

Submission:

PreventionGenetics, part of Exact Sciences
Classification: Uncertain significance for PTPRT-related condition. Last evaluated: 2025-12-23. Review status: criteria provided, single submitter. Criteria: ACMG Guidelines, 2015. Collection method: clinical testing. Allele origin: germline.
Comment: The PTPRT c.3571_3572insTT variant is predicted to result in a frameshift and premature protein termination (p.Ser1191Phefs*15). To our knowledge, this variant has not been reported in the literature or in a large population database, indicating this variant is rare. Although we suspect that this variant may be pathogenic, at this time, the clinical significance of this variant is uncertain due to the absence of conclusive functional and genetic evidence.

NM_007050.6(PTPRT):c.3514_3515insTT (p.Ser1172fs)

Gene: PTPRT (protein tyrosine phosphatase receptor type T; minus strand). Cytogenetic location: 20q12.
Variant type: Insertion.
Coding change: c.3514_3515insTT on transcript NM_007050.6 (MANE Select); coding-DNA positions 3514 to 3515, TT inserted.
Protein change: p.Ser1172fs; shifts the reading frame from serine 1172.
Molecular consequence: frameshift variant.
Genome position: GRCh38 VCF-style: chr20-42104594-G-GAA. GRCh37 (hg19) VCF-style: chr20-40733234-G-GAA.
Other names: c.3571_3572insTT, p.Ser1191fs (NM_001394024.1, NM_133170.4); c.3538_3539insTT, p.Ser1180fs (NM_001394025.1); c.3511_3512insTT, p.Ser1171fs (NM_001394026.1); short protein forms S1191fs, S1171fs, S1172fs, S1180fs.
Identifiers: ClinVar variation 4983850 (VCV004983850.1).
Genomic context (GRCh38, chr20:42,104,594, plus strand): 5'-CTAAGATGGTCACCGAGCCTGGGATTTGCTCATACCTGAAATTCATCTTTGATTTGGCTG[G>GAA]AGTTTGTCTGGGGGTCCAGCCTGCTGATATTGTAGTAGAGAGAACGGAACTCACACACAG-3'